The following is an entry in ClinVar:

NM_025132.4(WDR19):c.2948C>T (p.Ala983Val)

Gene: WDR19 (WD repeat domain 19; plus strand). Cytogenetic location: 4p14.
Variant type: single nucleotide variant.
Coding change: c.2948C>T on transcript NM_025132.4 (MANE Select); coding-DNA position 2948, C replaced by T.
Protein change: p.Ala983Val; replaces alanine 983 with valine.
Molecular consequence: missense variant.
Genome position (GRCh38, 1-based): chr4:39,253,977, C>T. VCF-style: chr4-39253977-C-T. GRCh37 (hg19) VCF-style: chr4-39255597-C-T.
Other names: c.2468C>T, p.Ala823Val (NM_001317924.2); short protein forms A823V, A983V.
Identifiers: ClinVar variation 1064352 (VCV001064352.9), dbSNP rs1293022423, ClinGen allele CA356641878.

ClinVar aggregate classification (germline): Uncertain significance. Review status: criteria provided, multiple submitters, no conflicts (2 of 4 stars). 3 submissions from 3 submitters: Uncertain significance (3). Last evaluated 2026-01-18.

Conditions:
Asphyxiating thoracic dystrophy 5 (SRTD5). Also called: SHORT-RIB THORACIC DYSPLASIA 5 WITH OR WITHOUT POLYDACTYLY; SHORT-RIB THORACIC DYSPLASIA 5 WITHOUT POLYDACTYLY. Identifiers: Orphanet 474, MedGen C3280598, MONDO:0013717, OMIM 614376.
Senior-Loken syndrome 8 (SLSN8). Identifiers: Orphanet 3156, MedGen C4225376, MONDO:0014579, OMIM 616307.
Nephronophthisis 13 (NPHP13). Identifiers: Orphanet 655, MedGen C3280612, MONDO:0013718, OMIM 614377.
Spermatogenic failure 72 (SPGF72). Identifiers: MedGen C5676980, MONDO:0030809, OMIM 619867.
Cranioectodermal dysplasia 4 (CED4). Identifiers: Orphanet 1515, MedGen C3280616, MONDO:0013719, OMIM 614378.

Allele frequency attached by ClinVar (database versions not stated): gnomAD 0.00001; TOPMed 0.00001; gnomAD exomes 0.00002.
gnomAD v4.1: 25 of 1,612,650 alleles (0.0016%); highest among the groups gnomAD compares: Non-Finnish European, 0.002%; no homozygotes.

Submissions (3):

Labcorp Genetics (formerly Invitae), Labcorp
Classification: Uncertain significance for Senior-Loken syndrome 8; Asphyxiating thoracic dystrophy 5. Last evaluated: 2026-01-18. Review status: criteria provided, single submitter. Criteria: Invitae Variant Classification Sherloc (09022015). Collection method: clinical testing. Allele origin: germline.
Comment: This sequence change replaces alanine, which is neutral and non-polar, with valine, which is neutral and non-polar, at codon 983 of the WDR19 protein (p.Ala983Val). This variant is not present in population databases (gnomAD no frequency). This variant has not been reported in the literature in individuals affected with WDR19-related conditions. ClinVar contains an entry for this variant (Variation ID: 1064352). Invitae Evidence Modeling of protein sequence and biophysical properties (such as structural, functional, and spatial information, amino acid conservation, physicochemical variation, residue mobility, and thermodynamic stability) indicates that this missense variant is expected to disrupt WDR19 protein function with a positive predictive value of 95%. In summary, the available evidence is currently insufficient to determine the role of this variant in disease. Therefore, it has been classified as a Variant of Uncertain Significance.

Fulgent Genetics
Classification: Uncertain significance for Asphyxiating thoracic dystrophy 5; Nephronophthisis 13; Cranioectodermal dysplasia 4; Senior-Loken syndrome 8; Spermatogenic failure 72. Last evaluated: 2024-04-28. Review status: criteria provided, single submitter. Criteria: ACMG Guidelines, 2015. Collection method: clinical testing. Allele origin: germline.

Blueprint Genetics
Classification: Uncertain significance. Last evaluated: 2024-03-01. Review status: criteria provided, single submitter. Criteria: ACMG Guidelines, 2015. Collection method: clinical testing. Allele origin: germline.